The following is an entry in ClinVar:

ClinVar aggregate classification (germline): Uncertain significance (1 of 4 stars; one submission).

gnomAD v4.1: 2 of 1,613,860 alleles (0.00012%); highest among the groups gnomAD compares: African/African-American, 0.0027%; no homozygotes.

Submission:

Mayo Clinic Laboratories, Mayo Clinic
Classification: Uncertain significance. Last evaluated: 2025-06-06. Review status: criteria provided, single submitter. Criteria: ACMG Guidelines, 2015. Collection method: clinical testing. Allele origin: germline. Observed: 1 variant allele.
Comment: BP4_moderate, PM2_supporting

NM_000081.4(LYST):c.2898G>A (p.Met966Ile)

Gene: LYST (lysosomal trafficking regulator; minus strand). Cytogenetic location: 1q42.3.
Variant type: single nucleotide variant.
Coding change: c.2898G>A on transcript NM_000081.4 (MANE Select); coding-DNA position 2898, G replaced by A.
Protein change: p.Met966Ile; replaces methionine 966 with isoleucine.
Molecular consequence: missense variant.
Genome position (GRCh38, 1-based): chr1:235,806,238, C>T on the plus strand (G>A on the coding strand, the complement: LYST is on the minus strand). VCF-style: chr1-235806238-C-T. GRCh37 (hg19) VCF-style: chr1-235969538-C-T.
Other names: p.Met966Ile; c.2898G>A, p.Met966Ile (NM_001301365.1); short protein forms M966I.
Identifiers: ClinVar variation 4542437 (VCV004542437.1).